The following is an entry in ClinVar:

NM_000195.5(HPS1):c.688C>T (p.Arg230Cys)

Gene: HPS1 (HPS1 biogenesis of lysosomal organelles complex 3 subunit 1; minus strand). Cytogenetic location: 10q24.2.
Variant type: single nucleotide variant.
Coding change: c.688C>T on transcript NM_000195.5 (MANE Select); coding-DNA position 688, C replaced by T.
Protein change: p.Arg230Cys; replaces arginine 230 with cysteine.
Molecular consequence: missense variant. On other transcripts: 5 prime UTR variant (3), synonymous variant (2).
Genome position (GRCh38, 1-based): chr10:98,430,651, G>A on the plus strand (C>T on the coding strand, the complement: HPS1 is on the minus strand). VCF-style: chr10-98430651-G-A. GRCh37 (hg19) VCF-style: chr10-100190408-G-A.
Other names: c.-186C>T (NM_001311345.2, NM_001322489.2); c.688C>T, p.Arg230Cys (NM_001322476.2, NM_001322477.2, NM_001322478.2 and 3 more transcripts); c.427C>T, p.Arg143Cys (NM_001322480.2, NM_001322481.2, NM_001322482.2); c.319C>T, p.Arg107Cys (NM_001322483.2, NM_001322484.2, NM_001322485.2); c.-285C>T (NM_001322487.2); c.570C>T, p.Cys190= (NM_001322490.2, NM_001322492.2); c.688C>T (NM_000195.3); short protein forms R107C, R143C, R230C.
Identifiers: ClinVar variation 2151699 (VCV002151699.2), dbSNP rs750207387, ClinGen allele CA5639318.

ClinVar aggregate classification (germline): Uncertain significance. Review status: criteria provided, multiple submitters, no conflicts (2 of 4 stars). 2 submissions from 2 submitters: Uncertain significance (2). Last evaluated 2024-09-20.

Conditions:
Inborn genetic diseases. Identifiers: MedGen C0950123, MeSH D030342.

Submissions (2):

Ambry Genetics
Classification: Uncertain significance for Inborn genetic diseases. Last evaluated: 2024-09-20. Review status: criteria provided, single submitter. Criteria: Ambry Variant Classification Scheme 2023. Collection method: clinical testing. Allele origin: germline.

Labcorp Genetics (formerly Invitae), Labcorp
Classification: Uncertain significance. Last evaluated: 2022-05-09. Review status: criteria provided, single submitter. Criteria: Invitae Variant Classification Sherloc (09022015). Collection method: clinical testing. Allele origin: germline.
Comment: This sequence change replaces arginine, which is basic and polar, with cysteine, which is neutral and slightly polar, at codon 230 of the HPS1 protein (p.Arg230Cys). The frequency data for this variant in the population databases is considered unreliable, as metrics indicate poor data quality at this position in the gnomAD database. This variant has not been reported in the literature in individuals affected with HPS1-related conditions. Algorithms developed to predict the effect of missense changes on protein structure and function are either unavailable or do not agree on the potential impact of this missense change (SIFT: "Deleterious"; PolyPhen-2: "Possibly Damaging"; Align-GVGD: "Class C0"). In summary, the available evidence is currently insufficient to determine the role of this variant in disease. Therefore, it has been classified as a Variant of Uncertain Significance.